The following is an entry in ClinVar:

NM_001367823.1(ARHGEF18):c.1105G>A (p.Gly369Arg)

Gene: ARHGEF18 (Rho/Rac guanine nucleotide exchange factor 18; plus strand). Cytogenetic location: 19p13.2.
Variant type: single nucleotide variant.
Coding change: c.1105G>A on transcript NM_001367823.1 (MANE Select); coding-DNA position 1105, G replaced by A.
Protein change: p.Gly369Arg; replaces glycine 369 with arginine.
Molecular consequence: missense variant.
Genome position (GRCh38, 1-based): chr19:7,440,481, G>A. VCF-style: chr19-7440481-G-A. GRCh37 (hg19) VCF-style: chr19-7505367-G-A.
Other names: c.379G>A, p.Gly127Arg (NM_001130955.2); c.67G>A, p.Gly23Arg (NM_001367824.1, NM_015318.4); short protein forms G23R, G369R, G127R.
Identifiers: ClinVar variation 712860 (VCV000712860.15), dbSNP rs115555106, ClinGen allele CA9136331.

ClinVar aggregate classification (germline): Conflicting classifications of pathogenicity. Review status: criteria provided, conflicting classifications (1 of 4 stars). 4 submissions from 4 submitters: Uncertain significance (1); Likely benign (2). 1 of the submissions does not count toward it. Last evaluated 2026-01-05.

Conditions:
ARHGEF18-related disorder. Also called: ARHGEF18-related condition.
Inborn genetic diseases. Identifiers: MedGen C0950123, MeSH D030342.

Allele frequency attached by ClinVar (database versions not stated): 1000 Genomes Project 0.00260; gnomAD 0.00271 and 0.00297; TOPMed 0.00277; ESP Exome Variant Server 0.00285; 1000 Genomes Project 30x 0.00312.
gnomAD v4.1: 2,635 of 1,595,494 alleles (0.17%); highest among the groups gnomAD compares: African/African-American, 0.66%; 2 homozygotes.

Submissions (4):

Labcorp Genetics (formerly Invitae), Labcorp
Classification: Likely benign. Last evaluated: 2026-01-05. Review status: criteria provided, single submitter. Criteria: Invitae Variant Classification Sherloc (09022015). Collection method: clinical testing. Allele origin: germline.

Blueprint Genetics
Classification: Likely benign. Last evaluated: 2024-11-14. Review status: criteria provided, single submitter. Criteria: ACMG Guidelines, 2015. Collection method: clinical testing. Allele origin: germline.

Ambry Genetics
Classification: Uncertain significance for Inborn genetic diseases. Last evaluated: 2021-08-12. Review status: criteria provided, single submitter. Criteria: Ambry Variant Classification Scheme 2023. Collection method: clinical testing. Allele origin: germline.

PreventionGenetics, part of Exact Sciences
Classification: Likely benign for ARHGEF18-related condition. Last evaluated: 2024-07-24. Review status: no assertion criteria provided. Collection method: clinical testing. Allele origin: germline. Not counted in ClinVar's aggregate classification.
Comment: This variant is classified as likely benign based on ACMG/AMP sequence variant interpretation guidelines (Richards et al. 2015 PMID: 25741868, with internal and published modifications).